The following is an entry in ClinVar:

ClinVar aggregate classification (germline): Pathogenic. Review status: reviewed by expert panel (3 of 4 stars). 7 submissions from 7 submitters: Pathogenic (1). 6 of the submissions do not count toward it. Last evaluated 2026-07-20.

Conditions:
CEP290-related ciliopathy. Also called: CEP290 ciliopathy. Identifiers: MedGen CN305601, MONDO:0100451.
Meckel-Gruber syndrome. Also called: Dysencephalia splachnocystica; DYSENCEPHALIA SPLANCHNOCYSTICA; GRUBER SYNDROME. Identifiers: Orphanet 564, MedGen C0265215, MONDO:0018921.
Nephronophthisis. Also called: Juvenile Nephronophthisis. Identifiers: Orphanet 655, MedGen C0687120, MONDO:0019005, HP:0000090.
Joubert syndrome. Also called: Familial aplasia of the vermis; JOUBERT-BOLTSHAUSER SYNDROME. Identifiers: Orphanet 475, MedGen C5979921, MONDO:0018772.
Bardet-Biedl syndrome 14 (BBS14). Identifiers: Orphanet 110, MedGen C2673874, MONDO:0014442, OMIM 615991.
Leber congenital amaurosis (LCA). Also called: Leber's amaurosis. Identifiers: Orphanet 65, MedGen C0339527, MeSH D057130, MONDO:0018998.

Allele frequency attached by ClinVar (database versions not stated): ExAC 0.00001; gnomAD exomes 0.00001.
gnomAD v4.1: 6 of 1,613,410 alleles (0.00037%); highest among the groups gnomAD compares: Non-Finnish European, 0.00051%; no homozygotes.

Submissions (7):

ClinGen Leber Congenital Amaurosis/early Onset Retinal Dystrophy Variant Curation Expert Panel, ClinGen
Classification: Pathogenic for CEP290-related ciliopathy. Last evaluated: 2026-07-20. Review status: reviewed by expert panel. Criteria: ClinGen LCAeoRD ACMG Specifications CEP290 V1.0.0. Collection method: curation. Allele origin: germline. Inheritance: Autosomal recessive inheritance.
Comment: NM_025114.4(CEP290):c.1593C>A (p.Tyr531Ter) is a nonsense variant that introduces a premature stop codon into exon 16 of 54 and is predicted to lead to nonsense-mediated decay in a gene in which loss-of-function is an established mechanism of disease (PVS1). This variant is present in gnomAD v4.1.1 at a total allele frequency of 0.0000037, with 6 alleles / 1613410 total alleles, which is lower than the ClinGen LCA/eoRD VCEP PM2_Supporting threshold of <0.0006 (PM2_Supporting). This variant has also been reported in at least 1 proband with early-onset severe retinal dystrophy who was compound heterozygous with the c.2991+1655A>G, p.Cys998X variant confirmed in trans (1 point, PMID: 34196655), which was previously classified pathogenic by the ClinGen LCA/eoRD VCEP (1 total point, PM3).In summary, this variant meets the criteria to be classified as Pathogenic for CEP290-related retinopathy based on the ACMG/AMP criteria applied, as specified by the ClinGen LCA/eoRD VCEP: PVS1, PM2_Supporting, and PM3. (LCA/eoRD VCEP Specifications for CEP290 Version 1.0.0)

Dasa
Classification: Pathogenic. Last evaluated: 2025-11-11. Review status: criteria provided, single submitter. Criteria: DASA Assertion Criteria. Collection method: clinical testing. Allele origin: germline. Not counted in ClinVar's aggregate classification.
Comment: NM_025114.4(CEP290):c.1593C>A (p.Tyr531*) introduces a premature termination codon predicted to result in loss of normal protein function. Loss-of-function is an established mechanism of disease for this gene. This variant has been recurrently observed in individuals with related phenotype (PMID: 17345604; PMID: 34196655; PMID: 36460718; PMID: 37230223). The variant is present at low frequency in population datasets. Based on the available data, this variant is classified as pathogenic.

Natera, Inc.
Classification: Pathogenic for Leber congenital amaurosis. Last evaluated: 2025-10-09. Review status: criteria provided, single submitter. Criteria: Natera Variant Classification Schema (03/2026). Collection method: clinical testing. Allele origin: germline. Not counted in ClinVar's aggregate classification.
Comment: The c.1593C>A variant in CEP290 is a nonsense variant predicted to introduce a stop codon at amino acid 531. This variant is expected to result in nonsense mediated decay, truncation, or a dysfunctional protein product. This variant is rare in the general population with a frequency below the threshold expected for the associated phenotype(s). This variant has been observed in one or more individuals affected with the associated recessive disease, as either homozygous or compound heterozygous with a second variant (PMID: 34196655). Given the available evidence, this variant is classified as Pathogenic.

CeGaT Center for Human Genetics Tuebingen
Classification: Pathogenic. Last evaluated: 2025-01-01. Review status: criteria provided, single submitter. Criteria: CeGaT Center For Human Genetics Tuebingen Variant Classification Criteria Version 2. Collection method: clinical testing. Allele origin: germline. Affected: yes. Observed: 2 variant alleles. Not counted in ClinVar's aggregate classification.
Comment: CEP290: PVS1, PM3:Strong, PM2

Myriad Genetics, Inc.
Classification: Pathogenic for CEP290-related ciliopathy. Last evaluated: 2024-05-24. Review status: criteria provided, single submitter. Criteria: Myriad Autosomal Dominant, Autosomal Recessive and X-Linked Classification Criteria (2023). Collection method: clinical testing. Allele origin: unknown. Not counted in ClinVar's aggregate classification.
Comment: NM_025114.3(CEP290):c.1593C>A(Y531*) is expected to be pathogenic in the context of CEP290-related disorders. This variant is predicted to lead to an abnormal or absent protein product due to the creation of a premature termination codon in CEP290, a gene where loss-of-function variants are known to be pathogenic. Please note: this variant was assessed in the context of healthy population screening.

Labcorp Genetics (formerly Invitae), Labcorp
Classification: Pathogenic for Joubert syndrome; Meckel-Gruber syndrome; Nephronophthisis. Last evaluated: 2023-12-23. Review status: criteria provided, single submitter. Criteria: Invitae Variant Classification Sherloc (09022015). Collection method: clinical testing. Allele origin: germline. Not counted in ClinVar's aggregate classification.
Comment: This sequence change creates a premature translational stop signal (p.Tyr531*) in the CEP290 gene. It is expected to result in an absent or disrupted protein product. Loss-of-function variants in CEP290 are known to be pathogenic (PMID: 16909394, 17345604, 20690115). This variant is present in population databases (rs763559949, gnomAD 0.002%). This premature translational stop signal has been observed in individual(s) with CEP290-related conditions (PMID: 17345604, 34196655). ClinVar contains an entry for this variant (Variation ID: 871408). Algorithms developed to predict the effect of sequence changes on RNA splicing suggest that this variant may disrupt the consensus splice site. For these reasons, this variant has been classified as Pathogenic.

Baylor Genetics
Classification: Pathogenic for Bardet-Biedl syndrome 14. Last evaluated: 2023-11-03. Review status: criteria provided, single submitter. Criteria: ACMG Guidelines, 2015. Collection method: clinical testing. Allele origin: unknown. Not counted in ClinVar's aggregate classification.

Literature cited by the submitters: PubMed 17345604 (cited by Dasa and Labcorp Genetics (formerly Invitae), Labcorp); PubMed 34196655 (cited by 3 submitters); PubMed 36460718 (cited by Dasa); PubMed 37230223 (cited by Dasa); PubMed 16909394 (cited by Labcorp Genetics (formerly Invitae), Labcorp); PubMed 20690115 (cited by Labcorp Genetics (formerly Invitae), Labcorp).

NM_025114.4(CEP290):c.1593C>A (p.Tyr531Ter)

Gene: CEP290 (centrosomal protein 290; minus strand). Cytogenetic location: 12q21.32.
Variant type: single nucleotide variant.
Coding change: c.1593C>A on transcript NM_025114.4 (MANE Select); coding-DNA position 1593, C replaced by A.
Protein change: p.Tyr531Ter; replaces tyrosine 531 with a stop codon.
Molecular consequence: nonsense.
Genome position (GRCh38, 1-based): chr12:88,118,673, G>T on the plus strand (C>A on the coding strand, the complement: CEP290 is on the minus strand). VCF-style: chr12-88118673-G-T. GRCh37 (hg19) VCF-style: chr12-88512450-G-T.
Other names: NM_025114.4(CEP290):c.1593C>A; p.Tyr531Ter; c.1593C>A (NM_025114.3); short protein forms Y531*.
Identifiers: ClinVar variation 871408 (VCV000871408.50), dbSNP rs763559949, ClinGen allele CA6712521.